The following is an entry in ClinVar:

ClinVar aggregate classification (germline): Pathogenic (1 of 4 stars; one submission).

Conditions:
Glycogen storage disease, type V (GSD5). Also called: MCARDLE DISEASE; MUSCLE GLYCOGEN PHOSPHORYLASE DEFICIENCY; MYOPHOSPHORYLASE DEFICIENCY; PYGM DEFICIENCY; McArdle type glycogen storage disease. Identifiers: Orphanet 368, MedGen C0017924, MONDO:0009293, OMIM 232600.

Submission:

Labcorp Genetics (formerly Invitae), Labcorp
Classification: Pathogenic for Glycogen storage disease, type V. Last evaluated: 2020-01-06. Review status: criteria provided, single submitter. Criteria: Invitae Variant Classification Sherloc (09022015). Collection method: clinical testing. Allele origin: germline.
Comment: This variant is an out-of-frame deletion of the genomic region encompassing exon 17 of the PYGM gene. This is expected to create a premature translational stop signal and result in an absent or disrupted protein product. Similar deletions affecting exon 17 have been observed in individuals affected with PYGM-related conditions (PMID: 19251976, 29382405). Loss-of-function variants in PYGM are known to be pathogenic (PMID: 8316268, 16786513). For these reasons, this variant has been classified as Pathogenic.

Literature cited by the submitters: PubMed 19251976; PubMed 29382405.

NC_000011.10:g.(?_64750366)_(64750593_?)del

Gene: PYGM (glycogen phosphorylase, muscle associated; minus strand). Cytogenetic location: 11q13.1.
Variant type: Deletion.
Identifiers: ClinVar variation 830781 (VCV000830781.1).